The following continues an entry in ClinVar:

NM_020988.3(GNAO1):c.724-8G>A

Gene: GNAO1. ClinVar aggregate classification (germline): Pathogenic/Likely pathogenic. Pathogenic (11); Likely pathogenic (2).

Submissions 13 to 15 of 15:

New York Genome Center
Classification: Likely pathogenic for Neurodevelopmental disorder with involuntary movements. Last evaluated: 2020-06-05. Review status: criteria provided, single submitter. Criteria: NYGC Assertion Criteria 2020. Collection method: clinical testing. Allele origin: de novo. Inheritance: Autosomal dominant inheritance. Observed: 1 heterozygote. Study: CSER-NYCKidSeq.
Comment: The c.724-8G>A splice site variant in the GNAO1 gene has been reported in an individual with abnormality of the nervous system [PMID: 26633542]. This variant is not reported in gnomAD database indicating this is a rare allele. It is predicted to damage the natural splice acceptor site and create a stronger cryptic splice acceptor site in intron 6. Based on the available evidence, the c.724-8G>A variant in the GNAO1 gene is classified as likely pathogenic.

PreventionGenetics, part of Exact Sciences
Classification: Pathogenic for GNAO1-related condition. Last evaluated: 2023-12-14. Review status: no assertion criteria provided. Collection method: clinical testing. Allele origin: germline. Not counted in ClinVar's aggregate classification.
Comment: The GNAO1 c.724-8G>A variant is predicted to interfere with splicing. This variant was reported in several individuals affected with GNAO1-related disorders; in several individuals, this was reported as de novo (see, for example, Retterer et al. 2016. PubMed ID: 26633542, supplemental data; Monies et al. 2019. PubMed ID: 31130284, Table S1; Yang et al. 2021. PubMed ID: 34122306; Al Masseri et al. 2022. PubMed ID: 35782616). In several studies, parental gonadal mosaicism for the variant was suspected (Al Masseri et al. 2022. PubMed ID: 35782616; Yang et al. 2021. PubMed ID: 34122306). This variant has not been reported in a large population database, indicating this variant is rare. This variant is interpreted as pathogenic.

Pediatric Department, Peking University First Hospital
Classification: Likely pathogenic for Neurodevelopmental disorder with involuntary movements. Last evaluated: 2021-02-03. Review status: no assertion criteria provided. Collection method: clinical testing. Allele origin: de novo. Affected: yes. Not counted in ClinVar's aggregate classification.

Literature cited by the submitters: PubMed 37142469 (cited by Kasturba Medical College, Manipal, Kasturba Medical College, Manipal, Manipal Academy of Higher Education, Manipal, India and Dasa); PubMed 33528536 (cited by 3billion and Women's Health and Genetics/Laboratory Corporation of America, LabCorp); PubMed 35147852 (cited by 3 submitters); PubMed 26633542 (cited by 4 submitters); PubMed 35782616 (cited by Dasa and Ambry Genetics); PubMed 35509770 (cited by Dasa and Ambry Genetics); PubMed 31130284 (cited by 3 submitters); PubMed 28747448 (cited by Victorian Clinical Genetics Services, Murdoch Childrens Research Institute); PubMed 34122306 (cited by Ambry Genetics); PubMed 35722775 (cited by Ambry Genetics).